The following is an entry in ClinVar:

ClinVar aggregate classification (germline): Likely benign. Review status: criteria provided, single submitter (1 of 4 stars). 2 submissions from 2 submitters: Likely benign (1). 1 of the submissions does not count toward it. Last evaluated 2023-08-17.

Conditions:
HK1-related disorder. Also called: HK1-related condition; HK1-related disorders.

Allele frequency attached by ClinVar (database versions not stated): ExAC 0.00002; gnomAD 0.00002; gnomAD exomes 0.00002; TOPMed 0.00002; 1000 Genomes Project 0.00020; 1000 Genomes Project 30x 0.00031.
gnomAD v4.1: 26 of 1,613,674 alleles (0.0016%); highest among the groups gnomAD compares: Non-Finnish European, 0.002%; no homozygotes.

Submissions (2):

Labcorp Genetics (formerly Invitae), Labcorp
Classification: Likely benign. Last evaluated: 2023-08-17. Review status: criteria provided, single submitter. Criteria: Invitae Variant Classification Sherloc (09022015). Collection method: clinical testing. Allele origin: germline.

PreventionGenetics, part of Exact Sciences
Classification: Likely benign for HK1-related condition. Last evaluated: 2019-08-28. Review status: no assertion criteria provided. Collection method: clinical testing. Allele origin: germline. Not counted in ClinVar's aggregate classification.
Comment: This variant is classified as likely benign based on ACMG/AMP sequence variant interpretation guidelines (Richards et al. 2015 PMID: 25741868, with internal and published modifications).

NM_000188.3(HK1):c.84C>T (p.Ala28=)

Gene: HK1 (hexokinase 1; plus strand). Cytogenetic location: 10q22.1.
Variant type: single nucleotide variant.
Coding change: c.84C>T on transcript NM_000188.3 (MANE Select); coding-DNA position 84, C replaced by T.
Protein change: p.Ala28=; no amino-acid change (alanine 28 retained).
Molecular consequence: synonymous variant. On other transcripts: 5 prime UTR variant (1).
Genome position (GRCh38, 1-based): chr10:69,343,847, C>T. VCF-style: chr10-69343847-C-T. GRCh37 (hg19) VCF-style: chr10-71103603-C-T.
Other names: c.96C>T, p.Ala32= (NM_001322364.2, NM_001358263.1, NM_033497.3 and 1 more transcripts); c.189C>T, p.Ala63= (NM_001322365.2); c.-1C>T (NM_001322366.1); c.84C>T, p.Ala28= (NM_001322367.1); c.81C>T, p.Ala27= (NM_033496.3); c.48C>T, p.Ala16= (NM_033500.2).
Identifiers: ClinVar variation 2996394 (VCV002996394.5), dbSNP rs201893778, ClinGen allele CA5532241.